The following is an entry in ClinVar:

NM_020297.4(ABCC9):c.125T>G (p.Phe42Cys)

Gene: ABCC9 (ATP binding cassette subfamily C member 9; minus strand). Cytogenetic location: 12p12.1.
Variant type: single nucleotide variant.
Coding change: c.125T>G on transcript NM_020297.4 (MANE Select); coding-DNA position 125, T replaced by G.
Protein change: p.Phe42Cys; replaces phenylalanine 42 with cysteine.
Molecular consequence: missense variant. On other transcripts: 5 prime UTR variant (1).
Genome position (GRCh38, 1-based): chr12:21,936,550, A>C on the plus strand (T>G on the coding strand, the complement: ABCC9 is on the minus strand). VCF-style: chr12-21936550-A-C. GRCh37 (hg19) VCF-style: chr12-22089484-A-C.
Other names: c.125T>G, p.Phe42Cys (NM_001377273.1, NM_005691.4); c.-330T>G (NM_001377274.1); short protein forms F42C.
Identifiers: ClinVar variation 4077775 (VCV004077775.3).

ClinVar aggregate classification (germline): Uncertain significance. Review status: criteria provided, multiple submitters, no conflicts (2 of 4 stars). 3 submissions from 3 submitters: Uncertain significance (3). Last evaluated 2026-06-15.

Conditions:
Cardiovascular phenotype. Identifiers: MedGen CN230736.
Dilated cardiomyopathy 1O (CMD1O). Also called: CARDIOMYOPATHY, DILATED, WITH VENTRICULAR TACHYCARDIA. Identifiers: Orphanet 154, MedGen C1837839, MONDO:0012062, OMIM 608569.

gnomAD v4.1: 1 of 1,612,946 alleles (0.000062%); highest among the groups gnomAD compares: South Asian, 0.0011%; no homozygotes.

Submissions (3):

Ambry Genetics
Classification: Uncertain significance for Cardiovascular phenotype. Last evaluated: 2026-06-15. Review status: criteria provided, single submitter. Criteria: Ambry Variant Classification Scheme 2023. Collection method: clinical testing. Allele origin: germline.
Comment: The p.F42C variant (also known as c.125T>G), located in coding exon 1 of the ABCC9 gene, results from a T to G substitution at nucleotide position 125. The phenylalanine at codon 42 is replaced by cysteine, an amino acid with highly dissimilar properties. This amino acid position is conserved. In addition, this alteration is predicted to be deleterious by in silico analysis. Based on the available evidence, the clinical significance of this variant remains unclear.

Labcorp Genetics (formerly Invitae), Labcorp
Classification: Uncertain significance for Dilated cardiomyopathy 1O. Last evaluated: 2025-10-24. Review status: criteria provided, single submitter. Criteria: Invitae Variant Classification Sherloc (09022015). Collection method: clinical testing. Allele origin: germline.
Comment: This sequence change replaces phenylalanine, which is neutral and non-polar, with cysteine, which is neutral and slightly polar, at codon 42 of the ABCC9 protein (p.Phe42Cys). This variant is present in population databases (no rsID available, gnomAD 0.003%). This variant has not been reported in the literature in individuals affected with ABCC9-related conditions. ClinVar contains an entry for this variant (Variation ID: 4077775). Invitae Evidence Modeling of protein sequence and biophysical properties (such as structural, functional, and spatial information, amino acid conservation, physicochemical variation, residue mobility, and thermodynamic stability) indicates that this missense variant is expected to disrupt ABCC9 protein function with a positive predictive value of 80%. In summary, the available evidence is currently insufficient to determine the role of this variant in disease. Therefore, it has been classified as a Variant of Uncertain Significance.

Revvity Omics, Revvity
Classification: Uncertain significance. Last evaluated: 2024-07-25. Review status: criteria provided, single submitter. Criteria: ACMG Guidelines, 2015. Collection method: clinical testing. Allele origin: germline.